The following is an entry in ClinVar:

NM_020975.6(RET):c.738C>A (p.His246Gln)

Gene: RET (ret proto-oncogene; plus strand). Cytogenetic location: 10q11.21.
Variant type: single nucleotide variant.
Coding change: c.738C>A on transcript NM_020975.6 (MANE Select); coding-DNA position 738, C replaced by A.
Protein change: p.His246Gln; replaces histidine 246 with glutamine.
Molecular consequence: missense variant.
Genome position (GRCh38, 1-based): chr10:43,105,064, C>A. VCF-style: chr10-43105064-C-A. GRCh37 (hg19) VCF-style: chr10-43600512-C-A.
Other names: c.738C>A, p.His246Gln (NM_000323.2, NM_001406743.1, NM_001406744.1 and 8 more transcripts); c.-25C>A (NM_001355216.2); c.609C>A, p.His203Gln (NM_001406761.1, NM_001406762.1, NM_001406764.1 and 2 more transcripts); c.450C>A, p.His150Gln (NM_001406766.1, NM_001406767.1, NM_001406770.1); short protein forms H246Q, H203Q, H150Q.
Identifiers: ClinVar variation 1394332 (VCV001394332.7), dbSNP rs769279838, ClinGen allele CA376544813.

ClinVar aggregate classification (germline): Uncertain significance (1 of 4 stars; one submission).

Conditions:
Multiple endocrine neoplasia, type 2 (MEN2). Identifiers: Orphanet 653, MedGen C4048306, MONDO:0019003. Disease mechanism: gain of function.

Submission:

Labcorp Genetics (formerly Invitae), Labcorp
Classification: Uncertain significance for Multiple endocrine neoplasia, type 2. Last evaluated: 2023-09-27. Review status: criteria provided, single submitter. Criteria: Invitae Variant Classification Sherloc (09022015). Collection method: clinical testing. Allele origin: germline.
Comment: This sequence change replaces histidine, which is basic and polar, with glutamine, which is neutral and polar, at codon 246 of the RET protein (p.His246Gln). This variant is not present in population databases (gnomAD no frequency). This variant has not been reported in the literature in individuals affected with RET-related conditions. ClinVar contains an entry for this variant (Variation ID: 1394332). Algorithms developed to predict the effect of missense changes on protein structure and function output the following: SIFT: "Not Available"; PolyPhen-2: "Benign"; Align-GVGD: "Not Available". The glutamine amino acid residue is found in multiple mammalian species, which suggests that this missense change does not adversely affect protein function. In summary, the available evidence is currently insufficient to determine the role of this variant in disease. Therefore, it has been classified as a Variant of Uncertain Significance.